The following is an entry in ClinVar:

ClinVar aggregate classification (germline): Uncertain significance. Review status: criteria provided, multiple submitters, no conflicts (2 of 4 stars). 3 submissions from 3 submitters: Uncertain significance (2). 1 of the submissions does not count toward it. Last evaluated 2025-08-26.

Conditions:
Fanconi anemia (FA). Also called: Fanconi's anemia. Identifiers: Orphanet 84, MedGen C0015625, MeSH D005199, MONDO:0019391.
Fanconi anemia complementation group G. Also called: FANCG-Related Fanconi Anemia; Fanconi anemia group G. Identifiers: Orphanet 84, MedGen C3469527, MONDO:0013565, OMIM 614082.

Allele frequency attached by ClinVar (database versions not stated): TOPMed 0.00001; gnomAD exomes 0.00004 and 0.00013; ExAC 0.00013; gnomAD 0.00022.
gnomAD v4.1: 92 of 1,614,028 alleles (0.0057%); highest among the groups gnomAD compares: East Asian, 0.0089%; no homozygotes.

Submissions (3):

Labcorp Genetics (formerly Invitae), Labcorp
Classification: Uncertain significance for Fanconi anemia. Last evaluated: 2025-08-26. Review status: criteria provided, single submitter. Criteria: Invitae Variant Classification Sherloc (09022015). Collection method: clinical testing. Allele origin: germline.
Comment: This sequence change replaces arginine, which is basic and polar, with tryptophan, which is neutral and slightly polar, at codon 485 of the FANCG protein (p.Arg485Trp). This variant is present in population databases (rs201884798, gnomAD 0.1%). This variant has not been reported in the literature in individuals affected with FANCG-related conditions. ClinVar contains an entry for this variant (Variation ID: 408143). Invitae Evidence Modeling of protein sequence and biophysical properties (such as structural, functional, and spatial information, amino acid conservation, physicochemical variation, residue mobility, and thermodynamic stability) indicates that this missense variant is not expected to disrupt FANCG protein function with a negative predictive value of 80%. In summary, the available evidence is currently insufficient to determine the role of this variant in disease. Therefore, it has been classified as a Variant of Uncertain Significance.

Fulgent Genetics
Classification: Uncertain significance for Fanconi anemia complementation group G. Last evaluated: 2021-08-18. Review status: criteria provided, single submitter. Criteria: ACMG Guidelines, 2015. Collection method: clinical testing. Allele origin: unknown.

Natera, Inc.
Classification: Uncertain significance for Fanconi anemia group G. Last evaluated: 2019-10-28. Review status: no assertion criteria provided. Collection method: clinical testing. Allele origin: germline. Not counted in ClinVar's aggregate classification.

NM_004629.2(FANCG):c.1453C>T (p.Arg485Trp)

Gene: FANCG (FA complementation group G; minus strand). Cytogenetic location: 9p13.3.
Variant type: single nucleotide variant.
Coding change: c.1453C>T on transcript NM_004629.2 (MANE Select); coding-DNA position 1453, C replaced by T.
Protein change: p.Arg485Trp; replaces arginine 485 with tryptophan.
Molecular consequence: missense variant.
Genome position (GRCh38, 1-based): chr9:35,075,306, G>A on the plus strand (C>T on the coding strand, the complement: FANCG is on the minus strand). VCF-style: chr9-35075306-G-A. GRCh37 (hg19) VCF-style: chr9-35075303-G-A.
Other names: short protein forms R485W.
Identifiers: ClinVar variation 408143 (VCV000408143.8), dbSNP rs201884798, ClinGen allele CA5039736.
Genomic context (GRCh38, chr9:35,075,306, plus strand): 5'-GGAGGTAAGAGGAAAACTGAAAGTTTAGATCACCTTGTTCTTTTTCCTCAGGTGTGGCCC[G>A]GAAGAGCAGCTCGAGGCACCTGAAGTAGGACACAGAACAGGGGTGAAGAGGAATCAATTT-3'
Protein context (NP_004620.1, residues 475-495): EFSRCLELLF[Arg485Trp]ATPEEKEQGA